The following is an entry in ClinVar:

ClinVar aggregate classification (germline): Uncertain significance (1 of 4 stars; one submission).

Conditions:
Hereditary cancer-predisposing syndrome. Also called: Neoplastic Syndromes, Hereditary; Tumor predisposition; Hereditary neoplastic syndrome; Hereditary Cancer Syndrome. Identifiers: Orphanet 140162, MedGen C0027672, MeSH D009386, MONDO:0015356.

Submission:

Ambry Genetics
Classification: Uncertain significance for Hereditary cancer-predisposing syndrome. Last evaluated: 2026-07-06. Review status: criteria provided, single submitter. Criteria: Ambry Variant Classification Scheme 2023. Collection method: clinical testing. Allele origin: germline.
Comment: The p.R57P variant (also known as c.170G>C), located in coding exon 2 of the NTHL1 gene, results from a G to C substitution at nucleotide position 170. The arginine at codon 57 is replaced by proline, an amino acid with dissimilar properties. This amino acid position is conserved. In addition, this alteration is predicted to be tolerated by in silico analysis. Based on the available evidence, the clinical significance of this variant remains unclear.

NM_002528.7(NTHL1):c.146G>C (p.Arg49Pro)

Gene: NTHL1 (nth like DNA glycosylase 1; minus strand). Cytogenetic location: 16p13.3.
Variant type: single nucleotide variant.
Coding change: c.146G>C on transcript NM_002528.7 (MANE Select); coding-DNA position 146, G replaced by C.
Protein change: p.Arg49Pro; replaces arginine 49 with proline.
Molecular consequence: missense variant. On other transcripts: 5 prime UTR variant (1).
Genome position (GRCh38, 1-based): chr16:2,046,336, C>G on the plus strand (G>C on the coding strand, the complement: NTHL1 is on the minus strand). VCF-style: chr16-2046336-C-G. GRCh37 (hg19) VCF-style: chr16-2096337-C-G.
Other names: c.146G>C, p.Arg49Pro (NM_001318193.2); c.-33G>C (NM_001318194.2); short protein forms R49P.
Identifiers: ClinVar variation 5025892 (VCV005025892.1).